The following is an entry in ClinVar:

ClinVar aggregate classification (germline): Likely pathogenic (1 of 4 stars; one submission).

Conditions:
Primary ciliary dyskinesia 3. Identifiers: Orphanet 244, MedGen C1837618, MONDO:0012085, OMIM 608644.

Submission:

Myriad Genetics, Inc.
Classification: Likely pathogenic for Primary ciliary dyskinesia 3. Last evaluated: 2021-12-21. Review status: criteria provided, single submitter. Criteria: Myriad Women's Health Autosomal Recessive and X-Linked Classification Criteria (2021). Collection method: clinical testing. Allele origin: unknown.
Comment: NM_001369.2(DNAH5):c.12899delAinsTT(Q4300Lfs*10) is expected to be pathogenic in the context of DNAH5-related primary ciliary dyskinesia. This variant is predicted to lead to an abnormal or absent protein product due to the creation of a premature termination codon in DNAH5, a gene where loss-of-function variants are known to be pathogenic. Please note: this variant was assessed in the context of healthy population screening.

NM_001369.3(DNAH5):c.12899delinsTT (p.Gln4300fs)

Gene: DNAH5 (dynein axonemal heavy chain 5; minus strand). Cytogenetic location: 5p15.2.
Variant type: Indel.
Coding change: c.12899delinsTT on transcript NM_001369.3 (MANE Select); coding-DNA position 12899, A replaced by TT.
Protein change: p.Gln4300fs; shifts the reading frame from glutamine 4300.
Molecular consequence: frameshift variant.
Genome position (GRCh38, 1-based): chr5:13,716,497, T replaced by AA on the plus strand (A replaced by TT on the coding strand, the reverse complement: DNAH5 is on the minus strand). VCF-style: chr5-13716497-T-AA. GRCh37 (hg19) VCF-style: chr5-13716606-T-AA.
Other names: short protein forms Q4300fs.
Identifiers: ClinVar variation 1726548 (VCV001726548.2), dbSNP rs2546508668, ClinGen allele CA2580071978.